The following is an entry in ClinVar:

NM_001201550.3(CFHR4):c.613T>C (p.Tyr205His)

Gene: CFHR4 (complement factor H related 4; plus strand). Cytogenetic location: 1q31.3.
Variant type: single nucleotide variant.
Coding change: c.613T>C on transcript NM_001201550.3 (MANE Select); coding-DNA position 613, T replaced by C.
Protein change: p.Tyr205His; replaces tyrosine 205 with histidine.
Molecular consequence: missense variant. On other transcripts: intron variant (1).
Genome position (GRCh38, 1-based): chr1:196,907,034, T>C. VCF-style: chr1-196907034-T-C. GRCh37 (hg19) VCF-style: chr1-196876164-T-C.
Other names: p.Tyr204His; c.610T>C, p.Tyr204His (NM_001201551.2); c.256+4419T>C (NM_006684.5); short protein forms Y205H, Y204H.
Identifiers: ClinVar variation 3266601 (VCV003266601.4).
Genomic context (GRCh38, chr1:196,907,034, plus strand): 5'-GGAAACACCACAGATTCCATAGTGTGTGGTGAAGATGGCTGGTCCCATTTGCCAACATGC[T>C]ATAGTAAGTATTTTATTCAAGTATTTCTTTTTACTAGAATTAAACAAATAGAAACATACA-3'
Protein context (NP_001188479.1, residues 195-215): EDGWSHLPTC[Tyr205His]NSSENCGPPP

ClinVar aggregate classification (germline): Conflicting classifications of pathogenicity. Review status: criteria provided, conflicting classifications (1 of 4 stars). 3 submissions from 3 submitters: Uncertain significance (2); Likely benign (1). Last evaluated 2025-07-25.

gnomAD v4.1: 31 of 1,606,036 alleles (0.0019%); highest among the groups gnomAD compares: African/African-American, 0.031%; no homozygotes.

Submissions (3):

Mayo Clinic Laboratories, Mayo Clinic
Classification: Likely benign. Last evaluated: 2025-07-25. Review status: criteria provided, single submitter. Criteria: ACMG Guidelines, 2015. Collection method: clinical testing. Allele origin: germline. Observed: 2 variant alleles.
Comment: BP1, BP4_moderate

Women's Health and Genetics/Laboratory Corporation of America, LabCorp
Classification: Uncertain significance. Last evaluated: 2025-01-07. Review status: criteria provided, single submitter. Criteria: LabCorp Variant Classification Summary - May 2015. Collection method: clinical testing. Allele origin: germline.
Comment: Variant summary: CFHR4 c.613T>C (p.Tyr205His) results in a conservative amino acid change in the encoded protein sequence. Four of four in-silico tools predict a benign effect of the variant on protein function. The variant allele was found at a frequency of 2.9e-05 in 240988 control chromosomes. The available data on variant occurrences in the general population are insufficient to allow any conclusion about variant significance. To our knowledge, no occurrence of c.613T>C in individuals affected with Genetic Atypical Hemolytic Uremic Syndrome and no experimental evidence demonstrating its impact on protein function have been reported. ClinVar contains an entry for this variant (Variation ID: 3266601). Based on the evidence outlined above, the variant was classified as uncertain significance.

Ambry Genetics
Classification: Uncertain significance. Last evaluated: 2024-05-24. Review status: criteria provided, single submitter. Criteria: Ambry Variant Classification Scheme 2023. Collection method: clinical testing. Allele origin: germline.